The following is an entry in ClinVar:

NM_001110556.2(FLNA):c.6773A>G (p.Glu2258Gly)

Gene: FLNA (filamin A; minus strand). Cytogenetic location: Xq28.
Variant type: single nucleotide variant.
Coding change: c.6773A>G on transcript NM_001110556.2 (MANE Select); coding-DNA position 6773, A replaced by G.
Protein change: p.Glu2258Gly; replaces glutamic acid 2258 with glycine.
Molecular consequence: missense variant.
Genome position (GRCh38, 1-based): chrX:154,352,018, T>C on the plus strand (A>G on the coding strand, the complement: FLNA is on the minus strand). VCF-style: chrX-154352018-T-C. GRCh37 (hg19) VCF-style: chrX-153580386-T-C.
Other names: c.6749A>G, p.Glu2250Gly (NM_001456.4); short protein forms E2250G, E2258G.
Identifiers: ClinVar variation 1473344 (VCV001473344.6), dbSNP rs2148103588, ClinGen allele CA415187113.

ClinVar aggregate classification (germline): Uncertain significance (1 of 4 stars; one submission).

Conditions:
Oto-palato-digital syndrome, type II (OPD2). Also called: FACIOPALATOOSSEOUS SYNDROME; OPD II SYNDROME; Otopalatodigital Syndrome, Type II; Otopalatodigital Syndrome Type 2 (FLNA-OPD2). Identifiers: Orphanet 669, Orphanet 90652, MedGen C1844696, MONDO:0010571, OMIM 304120.
Heterotopia, periventricular, X-linked dominant (PVNH1). Also called: PERIVENTRICULAR NODULAR HETEROTOPIA 4; HETEROTOPIA, PERIVENTRICULAR, 1; PERIVENTRICULAR NODULAR HETEROTOPIA 1; X-linked periventricular heterotopia. Identifiers: Orphanet 2149, Orphanet 82004, MedGen C1848213, MONDO:0010233, OMIM 300049.
Melnick-Needles syndrome (MNS). Also called: MELNICK-NEEDLES OSTEODYSPLASTY; OSTEODYSPLASTY OF MELNICK AND NEEDLES; Melnick-Needles Syndrome (FLNA-MNS). Identifiers: Orphanet 2484, MedGen C0025237, MONDO:0010650, OMIM 309350.
Frontometaphyseal dysplasia (FMD1). Identifiers: Orphanet 1826, MedGen C0265293, MONDO:0015942.

Submission:

Labcorp Genetics (formerly Invitae), Labcorp
Classification: Uncertain significance for Oto-palato-digital syndrome, type II; Heterotopia, periventricular, X-linked dominant; Frontometaphyseal dysplasia; Melnick-Needles syndrome. Last evaluated: 2024-02-24. Review status: criteria provided, single submitter. Criteria: Invitae Variant Classification Sherloc (09022015). Collection method: clinical testing. Allele origin: germline.
Comment: This sequence change replaces glutamic acid, which is acidic and polar, with glycine, which is neutral and non-polar, at codon 2250 of the FLNA protein (p.Glu2250Gly). This variant is not present in population databases (gnomAD no frequency). This variant has not been reported in the literature in individuals affected with FLNA-related conditions. ClinVar contains an entry for this variant (Variation ID: 1473344). Advanced modeling of protein sequence and biophysical properties (such as structural, functional, and spatial information, amino acid conservation, physicochemical variation, residue mobility, and thermodynamic stability) performed at Invitae indicates that this missense variant is not expected to disrupt FLNA protein function with a negative predictive value of 95%. In summary, the available evidence is currently insufficient to determine the role of this variant in disease. Therefore, it has been classified as a Variant of Uncertain Significance.